The following is an entry in ClinVar:

NM_007317.3(KIF22):c.1325G>A (p.Arg442His)

Gene: KIF22 (kinesin family member 22; plus strand). Cytogenetic location: 16p11.2.
Variant type: single nucleotide variant.
Coding change: c.1325G>A on transcript NM_007317.3 (MANE Select); coding-DNA position 1325, G replaced by A.
Protein change: p.Arg442His; replaces arginine 442 with histidine.
Molecular consequence: missense variant.
Genome position (GRCh38, 1-based): chr16:29,802,813, G>A. VCF-style: chr16-29802813-G-A. GRCh37 (hg19) VCF-style: chr16-29814134-G-A.
Other names: c.1325G>A (NM_007317.2); c.1121G>A, p.Arg374His (NM_001256269.2, NM_001256270.1); short protein forms R374H, R442H.
Identifiers: ClinVar variation 2190683 (VCV002190683.6), dbSNP rs201631186, ClinGen allele CA7993257.

ClinVar aggregate classification (germline): Likely benign. Review status: criteria provided, single submitter (1 of 4 stars). 2 submissions from 2 submitters: Likely benign (1). 1 of the submissions does not count toward it. Last evaluated 2025-07-14.

Conditions:
KIF22-related disorder. Also called: KIF22-related condition.

Allele frequency attached by ClinVar (database versions not stated): gnomAD exomes 0.00006; gnomAD 0.00012; ExAC 0.00015; 1000 Genomes Project 30x 0.00016; TOPMed 0.00017; 1000 Genomes Project 0.00020.
gnomAD v4.1: 113 of 1,606,616 alleles (0.007%); highest among the groups gnomAD compares: East Asian, 0.15%; no homozygotes.

Submissions (2):

Labcorp Genetics (formerly Invitae), Labcorp
Classification: Likely benign. Last evaluated: 2025-07-14. Review status: criteria provided, single submitter. Criteria: Invitae Variant Classification Sherloc (09022015). Collection method: clinical testing. Allele origin: germline.

PreventionGenetics, part of Exact Sciences
Classification: Likely benign for KIF22-related condition. Last evaluated: 2023-01-31. Review status: no assertion criteria provided. Collection method: clinical testing. Allele origin: germline. Not counted in ClinVar's aggregate classification.
Comment: This variant is classified as likely benign based on ACMG/AMP sequence variant interpretation guidelines (Richards et al. 2015 PMID: 25741868, with internal and published modifications).